The following is an entry in ClinVar:

ClinVar aggregate classification (germline): Uncertain significance. Review status: criteria provided, multiple submitters, no conflicts (2 of 4 stars). 6 submissions from 6 submitters: Uncertain significance (5). 1 of the submissions does not count toward it. Last evaluated 2025-10-30.

Conditions:
Inborn genetic diseases. Identifiers: MedGen C0950123, MeSH D030342.
Combined malonic and methylmalonic acidemia. Identifiers: Orphanet 289504, MedGen C3280314, MONDO:0013661, OMIM 614265.
Methylmalonic acidemia (MMA). Also called: Isolated Methylmalonic Acidemia. Identifiers: MedGen C0268583, MeSH C537358, MONDO:0002012, HP:0002912.

Allele frequency attached by ClinVar (database versions not stated): gnomAD 0.00001; TOPMed 0.00001; gnomAD exomes 0.00005 and 0.00010; ExAC 0.00012; 1000 Genomes Project 30x 0.00016; 1000 Genomes Project 0.00020.
gnomAD v4.1: 70 of 1,614,172 alleles (0.0043%); highest among the groups gnomAD compares: South Asian, 0.072%; no homozygotes.

Submissions (6):

Ambry Genetics
Classification: Uncertain significance for Inborn genetic diseases. Last evaluated: 2025-10-30. Review status: criteria provided, single submitter. Criteria: Ambry Variant Classification Scheme 2023. Collection method: clinical testing. Allele origin: germline.

Genomic Medicine Center of Excellence, King Faisal Specialist Hospital and Research Centre
Classification: Uncertain significance for Combined malonic and methylmalonic acidemia. Last evaluated: 2024-04-04. Review status: criteria provided, single submitter. Criteria: ACMG Guidelines, 2015. Collection method: clinical testing. Allele origin: germline.

Blueprint Genetics
Classification: Uncertain significance. Last evaluated: 2023-03-01. Review status: criteria provided, single submitter. Criteria: ACMG Guidelines, 2015. Collection method: clinical testing. Allele origin: germline.

CeGaT Center for Human Genetics Tuebingen
Classification: Uncertain significance. Last evaluated: 2021-07-01. Review status: criteria provided, single submitter. Criteria: CeGaT Center For Human Genetics Tuebingen Variant Classification Criteria Version 2. Collection method: clinical testing. Allele origin: germline. Affected: yes. Observed: 1 variant allele.

GeneDx
Classification: Uncertain significance. Last evaluated: 2017-05-12. Review status: criteria provided, single submitter. Criteria: GeneDx Variant Classification (06012015). Collection method: clinical testing. Allele origin: germline. Affected: yes.
Comment: The D457N variant in the ACSF3 gene has not been reported previously as a pathogenic variant, nor as a benign variant, to our knowledge. However, the substitution of the equivalent residue in the bacterial fatty acyl-CoA synthetase gene to an Alanine residue, resulted in a reduction of fatty acyl-CoA synthetase enzymatic activity (Black et al., 1997). In addition, the majority of missense variants in this gene are considered pathogenic (Stenson et al., 2014). The D457N variant is observed in 15/16486 (0.09%) alleles from individuals of South Asian background in the ExAC dataset (Lek et al., 2016). The D457N variant is a semi-conservative amino acid substitution, which occurs at a position that is conserved across species. In silico analysis predicts this variant is probably damaging to the protein structure/function. We interpret D457N as a variant of uncertain significance.

Natera, Inc.
Classification: Uncertain significance for Methylmalonic acidemia. Last evaluated: 2020-09-16. Review status: no assertion criteria provided. Collection method: clinical testing. Allele origin: germline. Not counted in ClinVar's aggregate classification.

NM_001243279.3(ACSF3):c.1369G>A (p.Asp457Asn)

Gene: ACSF3 (acyl-CoA synthetase family member 3; plus strand). Cytogenetic location: 16q24.3.
Variant type: single nucleotide variant.
Coding change: c.1369G>A on transcript NM_001243279.3 (MANE Select); coding-DNA position 1369, G replaced by A.
Protein change: p.Asp457Asn; replaces aspartic acid 457 with asparagine.
Molecular consequence: missense variant. On other transcripts: non-coding transcript variant (4).
Genome position (GRCh38, 1-based): chr16:89,145,269, G>A. VCF-style: chr16-89145269-G-A. GRCh37 (hg19) VCF-style: chr16-89211677-G-A.
Other names: c.1369G>A, p.Asp457Asn (NM_001127214.4, NM_174917.5); c.574G>A, p.Asp192Asn (NM_001284316.2); short protein forms D457N, D192N.
Identifiers: ClinVar variation 430103 (VCV000430103.41), dbSNP rs535695991, ClinGen allele CA8238203.